The following is an entry in ClinVar:

NM_000548.5(TSC2):c.37G>A (p.Glu13Lys)

Gene: TSC2 (TSC complex subunit 2; plus strand). Cytogenetic location: 16p13.3.
Variant type: single nucleotide variant.
Coding change: c.37G>A on transcript NM_000548.5 (MANE Select); coding-DNA position 37, G replaced by A.
Protein change: p.Glu13Lys; replaces glutamic acid 13 with lysine.
Molecular consequence: missense variant. On other transcripts: 5 prime UTR variant (1), intron variant (1).
Genome position (GRCh38, 1-based): chr16:2,048,652, G>A. VCF-style: chr16-2048652-G-A. GRCh37 (hg19) VCF-style: chr16-2098653-G-A.
Other names: c.37G>A, p.Glu13Lys (NM_001077183.3, NM_001114382.3, NM_001318827.2 and 4 more transcripts); c.-190G>A (NM_001318831.2); c.70G>A, p.Glu24Lys (NM_001318832.2); c.-10+587G>A (NM_001318829.2); short protein forms E13K, E24K.
Identifiers: ClinVar variation 486676 (VCV000486676.14), dbSNP rs1555494586, ClinGen allele CA394300845.

ClinVar aggregate classification (germline): Uncertain significance. Review status: criteria provided, multiple submitters, no conflicts (2 of 4 stars). 4 submissions from 4 submitters: Uncertain significance (4). Last evaluated 2025-05-06.

Conditions:
Tuberous sclerosis 2 (TSC2). Identifiers: Orphanet 805, MedGen C1860707, MONDO:0013199, OMIM 613254.
Lymphangiomyomatosis (LAM). Also called: Lymphangioleiomyomatosis, somatic; Lymphangioleiomyomatosis. Identifiers: Orphanet 538, MedGen C0751674, MONDO:0011705, OMIM 606690.
Isolated focal cortical dysplasia type II (FCORD2). Also called: CORTICAL DYSPLASIA OF TAYLOR; Focal cortical dysplasia type II. Identifiers: Orphanet 268994, MedGen C1846385, MONDO:0011818, OMIM 607341, HP:0032051.
Hereditary cancer-predisposing syndrome. Also called: Tumor predisposition; Neoplastic Syndromes, Hereditary; Hereditary Cancer Syndrome; Hereditary neoplastic syndrome. Identifiers: Orphanet 140162, MedGen C0027672, MeSH D009386, MONDO:0015356.
Tuberous sclerosis syndrome (TSC). Also called: Tuberous Sclerosis Complex; Tuberous sclerosis. Identifiers: Orphanet 805, MedGen C0041341, MONDO:0001734.

Allele frequency attached by ClinVar (database versions not stated): gnomAD exomes below 0.00001.
gnomAD v4.1: 2 of 1,613,998 alleles (0.00012%); highest among the groups gnomAD compares: East Asian, 0.0022%; no homozygotes.

Submissions (4):

Ambry Genetics
Classification: Uncertain significance for Hereditary cancer-predisposing syndrome. Last evaluated: 2025-05-06. Review status: criteria provided, single submitter. Criteria: Ambry Variant Classification Scheme 2023. Collection method: clinical testing. Allele origin: germline.
Comment: The p.E13K variant (also known as c.37G>A), located in coding exon 1 of the TSC2 gene, results from a G to A substitution at nucleotide position 37. The glutamic acid at codon 13 is replaced by lysine, an amino acid with similar properties. This variant was not reported in population based cohorts in the following databases: Database of Single Nucleotide Polymorphisms (dbSNP), NHLBI Exome Sequencing Project (ESP), and 1000 Genomes Project. In the ESP, this variant was not observed in 6496 samples (12992 alleles) with coverage at this position. To date, this alteration has been detected with an allele frequency of approximately 0.006% (greater than 20000 alleles tested) in our clinical cohort. This amino acid position is well conserved in available vertebrate species. In addition, this alteration is predicted to be deleterious by in silico analysis. Since supporting evidence is limited at this time, the clinical significance of this alteration remains unclear.

All of Us Research Program, National Institutes of Health
Classification: Uncertain significance for Tuberous sclerosis syndrome. Last evaluated: 2023-06-26. Review status: criteria provided, single submitter. Criteria: ACMG Guidelines, 2015. Collection method: clinical testing. Allele origin: germline. Inheritance: Autosomal dominant inheritance. Observed: 1 variant allele, 1 heterozygote.
Comment: This missense variant replaces glutamic acid with lysine at codon 13 of the TSC2 protein. Computational prediction suggests that this variant may have deleterious impact on protein structure and function (internally defined REVEL score threshold >= 0.7, PMID: 27666373). To our knowledge, functional studies have not been reported for this variant. This variant has not been reported in individuals affected with tuberous sclerosis complex in the literature. This variant has not been identified in the general population by the Genome Aggregation Database (gnomAD). The available evidence is insufficient to determine the role of this variant in disease conclusively. Therefore, this variant is classified as a Variant of Uncertain Significance.

This study involves interpretation of variants in research participants for the purpose of population health screening. Participant phenotype was not available at the time of variant classification. Additional details can be found in publication PMID: 35346344, PMCID: PMC8962531

Fulgent Genetics
Classification: Uncertain significance for Lymphangiomyomatosis; Isolated focal cortical dysplasia type II; Tuberous sclerosis 2. Last evaluated: 2021-12-20. Review status: criteria provided, single submitter. Criteria: ACMG Guidelines, 2015. Collection method: clinical testing. Allele origin: unknown.

Labcorp Genetics (formerly Invitae), Labcorp
Classification: Uncertain significance for Tuberous sclerosis 2. Last evaluated: 2021-11-19. Review status: criteria provided, single submitter. Criteria: Invitae Variant Classification Sherloc (09022015). Collection method: clinical testing. Allele origin: germline.
Comment: In summary, the available evidence is currently insufficient to determine the role of this variant in disease. Therefore, it has been classified as a Variant of Uncertain Significance. Advanced modeling of protein sequence and biophysical properties (such as structural, functional, and spatial information, amino acid conservation, physicochemical variation, residue mobility, and thermodynamic stability) performed at Invitae indicates that this missense variant is not expected to disrupt TSC2 protein function. ClinVar contains an entry for this variant (Variation ID: 486676). This variant has not been reported in the literature in individuals affected with TSC2-related conditions. This variant is not present in population databases (gnomAD no frequency). This sequence change replaces glutamic acid, which is acidic and polar, with lysine, which is basic and polar, at codon 13 of the TSC2 protein (p.Glu13Lys).